The following is an entry in ClinVar:

ClinVar aggregate classification (germline): Uncertain significance (1 of 4 stars; one submission).

Conditions:
Inborn genetic diseases. Identifiers: MedGen C0950123, MeSH D030342.

Submission:

Ambry Genetics
Classification: Uncertain significance for Inborn genetic diseases. Last evaluated: 2026-08-21. Review status: criteria provided, single submitter. Criteria: Ambry Variant Classification Scheme 2023. Collection method: clinical testing. Allele origin: germline.
Comment: The c.659C>G (p.S220*) alteration, located in exon 1 (coding exon 1) of the IRF2BPL gene, consists of a C to G substitution at nucleotide position 659. This changes the amino acid from a serine (S) to a stop codon at amino acid position 220. This variant is not expected to trigger nonsense-mediated mRNA decay and impacts the last 72% of the protein. However, loss of function of IRF2BPL has not been established as a mechanism of disease. This variant was not reported in population-based cohorts in the Genome Aggregation Database (gnomAD). Based on insufficient or conflicting evidence, the clinical significance of this alteration remains unclear.

NM_024496.4(IRF2BPL):c.659C>G (p.Ser220Ter)

Gene: IRF2BPL (interferon regulatory factor 2 binding protein like; minus strand). Cytogenetic location: 14q24.3.
Variant type: single nucleotide variant.
Coding change: c.659C>G on transcript NM_024496.4 (MANE Select); coding-DNA position 659, C replaced by G.
Protein change: p.Ser220Ter; replaces serine 220 with a stop codon.
Molecular consequence: nonsense.
Genome position (GRCh38, 1-based): chr14:77,027,134, G>C on the plus strand (C>G on the coding strand, the complement: IRF2BPL is on the minus strand). VCF-style: chr14-77027134-G-C. GRCh37 (hg19) VCF-style: chr14-77493477-G-C.
Other names: short protein forms S220*.
Identifiers: ClinVar variation 5022820 (VCV005022820.1).
Genomic context (GRCh38, chr14:77,027,134, plus strand): 5'-GGCAGCCCCGTAACCAGCCCACCGTGCGTTCCACGCCGAGACGCCACCGACGCCGCCGCT[G>C]AAGAAGAATTGGGGCTCTGACGGTTCAGCTCTGGGGGTCCCTCCTCTGGTGTTGGTTTGG-3'